The following is an entry in ClinVar:

NM_007194.4(CHEK2):c.646T>G (p.Leu216Val)

Gene: CHEK2 (checkpoint kinase 2; minus strand). Cytogenetic location: 22q12.1.
Variant type: single nucleotide variant.
Coding change: c.646T>G on transcript NM_007194.4 (MANE Select); coding-DNA position 646, T replaced by G.
Protein change: p.Leu216Val; replaces leucine 216 with valine.
Molecular consequence: missense variant. On other transcripts: 5 prime UTR variant (2), intron variant (1).
Genome position (GRCh38, 1-based): chr22:28,719,432, A>C on the plus strand (T>G on the coding strand, the complement: CHEK2 is on the minus strand). VCF-style: chr22-28719432-A-C. GRCh37 (hg19) VCF-style: chr22-29115420-A-C.
Other names: c.775T>G, p.Leu259Val (NM_001005735.3, NM_001438294.1); c.-18T>G (NM_001257387.3, NM_001437942.1); c.739T>G, p.Leu247Val (NM_001438293.1, NM_001438295.1); c.646T>G, p.Leu216Val (NM_145862.3); c.482+5454T>G (NM_001349956.3); short protein forms L216V, L259V, L247V.
Identifiers: ClinVar variation 1320830 (VCV001320830.2), dbSNP rs2146005941, ClinGen allele CA411104986.

ClinVar aggregate classification (germline): Uncertain significance (1 of 4 stars; one submission).

Submission:

GeneDx
Classification: Uncertain significance. Last evaluated: 2020-10-08. Review status: criteria provided, single submitter. Criteria: GeneDx Variant Classification Process June 2021. Collection method: clinical testing. Allele origin: germline. Affected: yes.
Comment: Not observed in large population cohorts (Lek 2016); While protein-based in silico analysis supports that this variant does not alter protein structure/function, splice predictors suggest this variant may impact gene splicing. In the absence of RNA or functional studies, the actual effect of this sequence change is unknown.; Has not been previously published as pathogenic or benign to our knowledge